The following is an entry in ClinVar:

NM_000969.5(RPL5):c.794+8G>A

Genes: DIPK1A (divergent protein kinase domain 1A; minus strand), RPL5 (ribosomal protein L5; plus strand). Cytogenetic location: 1p22.1.
Variant type: single nucleotide variant.
Coding change: c.794+8G>A on transcript NM_000969.5 (MANE Select); 8 bases into the intron after coding-DNA position 794, G replaced by A.
Molecular consequence: intron variant.
Genome position (GRCh38, 1-based): chr1:92,840,647, G>A. VCF-style: chr1-92840647-G-A. GRCh37 (hg19) VCF-style: chr1-93306204-G-A.
Other names: c.474+6536C>T (NM_001252273.2); c.794+8G>A (NM_000969.3).
Identifiers: ClinVar variation 1081167 (VCV001081167.11), dbSNP rs907325546, ClinGen allele CA26761606.

ClinVar aggregate classification (germline): Likely benign. Review status: criteria provided, multiple submitters, no conflicts (2 of 4 stars). 3 submissions from 3 submitters: Likely benign (3). Last evaluated 2025-09-09.

Conditions:
RPL5-related disorder. Also called: RPL5-related condition.
Diamond-Blackfan anemia. Also called: Blackfan Diamond syndrome; Aregenerative anemia chronic congenital; Red cell aplasia, pure hereditary; Congenital hypoplastic anemia; Aase syndrome. Identifiers: Orphanet 124, MedGen C1260899, MeSH D029503, MONDO:0015253, HP:0004810.
Diamond-Blackfan anemia 6 (DBA6). Also called: RPL5-Related Diamond-Blackfan Anemia. Identifiers: Orphanet 124, MedGen C2931850, MONDO:0012937, OMIM 612561.

Allele frequency attached by ClinVar (database versions not stated): gnomAD exomes 0.00001 and 0.00002; TOPMed 0.00001; gnomAD 0.00002.
gnomAD v4.1: 26 of 1,599,406 alleles (0.0016%); highest among the groups gnomAD compares: Admixed American, 0.0033%; no homozygotes.

Submissions (3):

Labcorp Genetics (formerly Invitae), Labcorp
Classification: Likely benign for Diamond-Blackfan anemia. Last evaluated: 2025-09-09. Review status: criteria provided, single submitter. Criteria: Invitae Variant Classification Sherloc (09022015). Collection method: clinical testing. Allele origin: germline.

PreventionGenetics, part of Exact Sciences
Classification: Likely benign for RPL5-related condition. Last evaluated: 2025-06-23. Review status: criteria provided, single submitter. Criteria: ACMG Guidelines, 2015. Collection method: clinical testing. Allele origin: germline.
Comment: This variant is classified as likely benign based on ACMG/AMP sequence variant interpretation guidelines (Richards et al. 2015 PMID: 25741868, with internal and published modifications).

Fulgent Genetics
Classification: Likely benign for Diamond-Blackfan anemia 6. Last evaluated: 2022-03-25. Review status: criteria provided, single submitter. Criteria: ACMG Guidelines, 2015. Collection method: clinical testing. Allele origin: unknown.